The following is an entry in ClinVar:

ClinVar aggregate classification (germline): Pathogenic (1 of 4 stars; one submission).

Conditions:
Neurodevelopmental disorder with microcephaly, epilepsy, and brain atrophy. Identifiers: MedGen C4693390, MONDO:0060640, OMIM 617862.

Submission:

3billion
Classification: Pathogenic for Neurodevelopmental disorder with microcephaly, epilepsy, and brain atrophy. Last evaluated: 2024-09-23. Review status: criteria provided, single submitter. Criteria: ACMG Guidelines, 2015. Collection method: clinical testing. Allele origin: germline. Affected: yes.
Comment: The variant is not observed in the gnomAD v4.0.0 dataset. Predicted Consequence/Location: Frameshift: predicted to result in a loss or disruption of normal protein function through nonsense-mediated decay (NMD) or protein truncation. Multiple pathogenic variants are reported downstream of the variant. Therefore, this variant is classified as Pathogenic according to the recommendation of ACMG/AMP guideline.

NM_001079537.2(TRAPPC6B):c.29del (p.Leu10fs)

Gene: TRAPPC6B (trafficking protein particle complex subunit 6B; minus strand). Cytogenetic location: 14q21.1.
Variant type: Deletion.
Coding change: c.29del on transcript NM_001079537.2 (MANE Select); coding-DNA position 29, one base deleted (T; older notation c.29delT).
Protein change: p.Leu10fs; shifts the reading frame from leucine 10.
Molecular consequence: frameshift variant.
Genome position (GRCh38, 1-based): chr14:39,170,067, A deleted on the plus strand (T on the coding strand, the reverse complement: TRAPPC6B is on the minus strand). VCF-style (leftmost placement, unchanged base first): chr14-39170066-GA-G. GRCh37 (hg19) VCF-style: chr14-39639270-GA-G.
Other names: c.29del, p.Leu10fs (NM_177452.4); short protein forms L10fs.
Identifiers: ClinVar variation 4292277 (VCV004292277.1).